The following is an entry in ClinVar:

ClinVar aggregate classification (germline): Likely benign. Review status: criteria provided, multiple submitters, no conflicts (2 of 4 stars). 2 submissions from 2 submitters: Likely benign (2). Last evaluated 2024-12-04.

Conditions:
Developmental and epileptic encephalopathy, 42 (DEE42A). Also called: DEVELOPMENTAL AND EPILEPTIC ENCEPHALOPATHY 42A; EPILEPTIC ENCEPHALOPATHY, EARLY INFANTILE, 42A; Epileptic encephalopathy, early infantile, 42. Identifiers: MedGen C4310716, MONDO:0014917, OMIM 617106.
Episodic ataxia type 2 (EA2). Also called: ATAXIA, EPISODIC, WITH NYSTAGMUS; ATAXIA, FAMILIAL PAROXYSMAL; CEREBELLAR ATAXIA, PAROXYSMAL, ACETAZOLAMIDE-RESPONSIVE; CEREBELLOPATHY, HEREDITARY PAROXYSMAL; EPISODIC ATAXIA, NYSTAGMUS-ASSOCIATED; ACETAZOLAMIDE-RESPONSIVE HEREDITARY PAROXYSMAL CEREBELLAR ATAXIA. Identifiers: Orphanet 97, MedGen C1720416, MONDO:0007163, OMIM 108500.

gnomAD v4.1: 14 of 1,606,558 alleles (0.00087%); highest among the groups gnomAD compares: East Asian, 0.0045%; no homozygotes.

Submissions (2):

Labcorp Genetics (formerly Invitae), Labcorp
Classification: Likely benign for Developmental and epileptic encephalopathy, 42; Episodic ataxia type 2. Last evaluated: 2024-12-04. Review status: criteria provided, single submitter. Criteria: Invitae Variant Classification Sherloc (09022015). Collection method: clinical testing. Allele origin: germline.

CeGaT Center for Human Genetics Tuebingen
Classification: Likely benign. Last evaluated: 2023-03-01. Review status: criteria provided, single submitter. Criteria: CeGaT Center For Human Genetics Tuebingen Variant Classification Criteria Version 2. Collection method: clinical testing. Allele origin: germline. Affected: yes. Observed: 1 variant allele.
Comment: CACNA1A: BP4, BP7

NM_001127222.2(CACNA1A):c.384G>A (p.Pro128=)

Gene: CACNA1A (calcium voltage-gated channel subunit alpha1 A; minus strand). Cytogenetic location: 19p13.13.
Variant type: single nucleotide variant.
Coding change: c.384G>A on transcript NM_001127222.2 (MANE Select); coding-DNA position 384, G replaced by A.
Protein change: p.Pro128=; no amino-acid change (proline 128 retained).
Molecular consequence: synonymous variant.
Genome position (GRCh38, 1-based): chr19:13,455,122, C>T on the plus strand (G>A on the coding strand, the complement: CACNA1A is on the minus strand). VCF-style: chr19-13455122-C-T. GRCh37 (hg19) VCF-style: chr19-13565936-C-T.
Other names: c.384G>A, p.Pro128= (NM_000068.4, NM_001127221.2, NM_001174080.2 and 1 more transcripts).
Identifiers: ClinVar variation 2415178 (VCV002415178.37), dbSNP rs752128657, ClinGen allele CA9241052.
Genomic context (GRCh38, chr19:13,455,122, plus strand): 5'-CCTGCTAAAGCCAAGGAGAAGACCCTGAGAAAAGACATCACTCACCAGCCGTTCAGACAT[C>T]GGGGTCTTGTCATCATCAGGCAGATGCTGCTCCAGTGCGAGGACGATGCAATTCGCTATG-3'
Protein context (NP_001120694.1, residues 118-138): EQHLPDDDKT[Pro128=]MSERLDDTEP